The following is an entry in ClinVar:

ClinVar aggregate classification (germline): Benign/Likely benign. Review status: criteria provided, multiple submitters, no conflicts (2 of 4 stars). 3 submissions from 3 submitters: Benign (1); Likely benign (2). Last evaluated 2026-06-17.

Conditions:
Polyps, multiple and recurrent inflammatory fibroid, gastrointestinal. Identifiers: MedGen C5193005, MONDO:0008285, OMIM 175510.
Gastrointestinal stromal tumor. Also called: Gastrointestinal stromal tumor, somatic; Gastrointestinal stroma tumor. Identifiers: Orphanet 44890, MedGen C0238198, MeSH D046152, MONDO:0011719, OMIM 606764, HP:0100723.
Hereditary cancer-predisposing syndrome. Also called: Tumor predisposition; Neoplastic Syndromes, Hereditary; Hereditary Cancer Syndrome; Hereditary neoplastic syndrome. Identifiers: Orphanet 140162, MedGen C0027672, MeSH D009386, MONDO:0015356.

Allele frequency attached by ClinVar (database versions not stated): gnomAD exomes below 0.00001.
gnomAD v4.1: 2 of 1,592,050 alleles (0.00013%); highest among the groups gnomAD compares: Admixed American, 0.0017%; no homozygotes.

Submissions (3):

Myriad Genetics, Inc.
Classification: Benign for Polyps, multiple and recurrent inflammatory fibroid, gastrointestinal. Last evaluated: 2026-06-17. Review status: criteria provided, single submitter. Criteria: Myriad Autosomal Dominant, Autosomal Recessive and X-Linked Classification Criteria (2023). Collection method: clinical testing. Allele origin: unknown.
Comment: This variant is considered benign. This variant is a silent/synonymous amino acid change and it is not expected to impact splicing.

Ambry Genetics
Classification: Likely benign for Hereditary cancer-predisposing syndrome. Last evaluated: 2022-05-22. Review status: criteria provided, single submitter. Criteria: Ambry Variant Classification Scheme 2023. Collection method: clinical testing. Allele origin: germline.

Labcorp Genetics (formerly Invitae), Labcorp
Classification: Likely benign for Gastrointestinal stromal tumor. Last evaluated: 2022-05-22. Review status: criteria provided, single submitter. Criteria: Invitae Variant Classification Sherloc (09022015). Collection method: clinical testing. Allele origin: germline.

NM_006206.6(PDGFRA):c.2382T>C (p.Asp794=)

Gene: PDGFRA (platelet derived growth factor receptor alpha; plus strand). Cytogenetic location: 4q12.
Variant type: single nucleotide variant.
Coding change: c.2382T>C on transcript NM_006206.6 (MANE Select); coding-DNA position 2382, T replaced by C.
Protein change: p.Asp794=; no amino-acid change (aspartic acid 794 retained).
Molecular consequence: synonymous variant.
Genome position (GRCh38, 1-based): chr4:54,285,429, T>C. VCF-style: chr4-54285429-T-C. GRCh37 (hg19) VCF-style: chr4-55151596-T-C.
Other names: c.2457T>C, p.Asp819= (NM_001347828.2); c.2382T>C, p.Asp794= (NM_001347829.2); c.2421T>C, p.Asp807= (NM_001347830.2).
Identifiers: ClinVar variation 1553343 (VCV001553343.11), dbSNP rs1304328143, ClinGen allele CA439287667.
Genomic context (GRCh38, chr4:54,285,429, plus strand): 5'-AGACTCAGAAGTCAAAAACCTCCTTTCAGATGATAACTCAGAAGGCCTTACTTTATTGGA[T>C]TTGTTGAGCTTCACCTATCAAGTTGCCCGAGGAATGGAGTTTTTGGCTTCAAAAAATGTA-3'
Protein context (NP_006197.1, residues 784-804): DDNSEGLTLL[Asp794=]LLSFTYQVAR